The following is an entry in ClinVar:

ClinVar aggregate classification (germline): Likely benign (0 of 4 stars; one submission).

Conditions:
SMARCC1-related disorder. Also called: SMARCC1-related condition.

Allele frequency attached by ClinVar (database versions not stated): TOPMed 0.00004; gnomAD 0.00005; ExAC 0.00006; gnomAD exomes 0.00012; ESP Exome Variant Server 0.00015.
gnomAD v4.1: 174 of 1,613,322 alleles (0.011%); highest among the groups gnomAD compares: Non-Finnish European, 0.015%; no homozygotes.

Submission:

PreventionGenetics, part of Exact Sciences
Classification: Likely benign for SMARCC1-related condition. Last evaluated: 2019-05-08. Review status: no assertion criteria provided. Collection method: clinical testing. Allele origin: germline.
Comment: This variant is classified as likely benign based on ACMG/AMP sequence variant interpretation guidelines (Richards et al. 2015 PMID: 25741868, with internal and published modifications).

NM_003074.4(SMARCC1):c.1635C>T (p.Pro545=)

Gene: SMARCC1 (SWI/SNF related BAF chromatin remodeling complex subunit C1; minus strand). Cytogenetic location: 3p21.31.
Variant type: single nucleotide variant.
Coding change: c.1635C>T on transcript NM_003074.4 (MANE Select); coding-DNA position 1635, C replaced by T.
Protein change: p.Pro545=; no amino-acid change (proline 545 retained).
Molecular consequence: synonymous variant.
Genome position (GRCh38, 1-based): chr3:47,676,719, G>A on the plus strand (C>T on the coding strand, the complement: SMARCC1 is on the minus strand). VCF-style: chr3-47676719-G-A. GRCh37 (hg19) VCF-style: chr3-47718209-G-A.
Identifiers: ClinVar variation 3038269 (VCV003038269.2), dbSNP rs370919273, ClinGen allele CA2369028.